The following is an entry in ClinVar:

NM_020928.2(ZSWIM6):c.3038C>T (p.Ala1013Val)

Gene: ZSWIM6 (zinc finger SWIM-type containing 6; plus strand). Cytogenetic location: 5q12.1.
Variant type: single nucleotide variant.
Coding change: c.3038C>T on transcript NM_020928.2 (MANE Select); coding-DNA position 3038, C replaced by T.
Protein change: p.Ala1013Val; replaces alanine 1013 with valine.
Molecular consequence: missense variant.
Genome position (GRCh38, 1-based): chr5:61,543,707, C>T. VCF-style: chr5-61543707-C-T. GRCh37 (hg19) VCF-style: chr5-60839534-C-T.
Other names: short protein forms A1013V.
Identifiers: ClinVar variation 1916850 (VCV001916850.9), dbSNP rs1385299944, ClinGen allele CA359946719.

ClinVar aggregate classification (germline): Uncertain significance. Review status: criteria provided, multiple submitters, no conflicts (2 of 4 stars). 3 submissions from 3 submitters: Uncertain significance (3). Last evaluated 2023-07-05.

Allele frequency attached by ClinVar (database versions not stated): gnomAD exomes 0.00001.
gnomAD v4.1: 10 of 1,551,636 alleles (0.00064%); highest among the groups gnomAD compares: East Asian, 0.0024%; no homozygotes.

Submissions (3):

Blueprint Genetics
Classification: Uncertain significance. Last evaluated: 2023-07-05. Review status: criteria provided, single submitter. Criteria: ACMG Guidelines, 2015. Collection method: clinical testing. Allele origin: germline.

Labcorp Genetics (formerly Invitae), Labcorp
Classification: Uncertain significance. Last evaluated: 2022-10-03. Review status: criteria provided, single submitter. Criteria: Invitae Variant Classification Sherloc (09022015). Collection method: clinical testing. Allele origin: germline.
Comment: In summary, the available evidence is currently insufficient to determine the role of this variant in disease. Therefore, it has been classified as a Variant of Uncertain Significance. Advanced modeling of protein sequence and biophysical properties (such as structural, functional, and spatial information, amino acid conservation, physicochemical variation, residue mobility, and thermodynamic stability) performed at Invitae indicates that this missense variant is not expected to disrupt ZSWIM6 protein function. This variant has not been reported in the literature in individuals affected with ZSWIM6-related conditions. This variant is present in population databases (no rsID available, gnomAD 0.01%). This sequence change replaces alanine, which is neutral and non-polar, with valine, which is neutral and non-polar, at codon 1013 of the ZSWIM6 protein (p.Ala1013Val).

Revvity Omics, Revvity
Classification: Uncertain significance. Last evaluated: 2022-01-12. Review status: criteria provided, single submitter. Criteria: ACMG Guidelines, 2015. Collection method: clinical testing. Allele origin: germline.